The following is an entry in ClinVar:

NM_006031.6(PCNT):c.4572G>A (p.Pro1524=)

Gene: PCNT (pericentrin; plus strand). Cytogenetic location: 21q22.3.
Variant type: single nucleotide variant.
Coding change: c.4572G>A on transcript NM_006031.6 (MANE Select); coding-DNA position 4572, G replaced by A.
Protein change: p.Pro1524=; no amino-acid change (proline 1524 retained).
Molecular consequence: synonymous variant.
Genome position (GRCh38, 1-based): chr21:46,398,243, G>A. VCF-style: chr21-46398243-G-A. GRCh37 (hg19) VCF-style: chr21-47818157-G-A.
Other names: c.4218G>A, p.Pro1406= (NM_001315529.2).
Identifiers: ClinVar variation 159606 (VCV000159606.21), dbSNP rs116431741, ClinGen allele CA173010.
Genomic context (GRCh38, chr21:46,398,243, plus strand): 5'-TAAGCTTTAACTTTCTTTAAATTTTTGCCTTCCATGTACATGAAATCGGCAGCAGGCGCC[G>A]CTGGATGGAGAGGTGAGGAGGCGTCAACGAGATGGGCACTCCCTGCGCTGGCGCCCAGGC-3'
Protein context (NP_006022.3, residues 1514-1534): PWGPRDSQQA[Pro1524=]LDGEVELLQQ

ClinVar aggregate classification (germline): Benign. Review status: criteria provided, multiple submitters, no conflicts (2 of 4 stars). 5 submissions from 5 submitters: Benign (5). Last evaluated 2026-01-31.

Conditions:
Microcephalic osteodysplastic primordial dwarfism type II (MOPD2). Also called: Microcephalic osteodysplastic primordial dwarfism with tooth abnormalities; MOPD II; OSTEODYSPLASTIC PRIMORDIAL DWARFISM, TYPE II. Identifiers: Orphanet 2637, MedGen C0432246, MONDO:0008872, OMIM 210720.

Allele frequency attached by ClinVar (database versions not stated): gnomAD exomes 0.00085 and 0.00197; ExAC 0.00343; gnomAD 0.00746 and 0.00812; ESP Exome Variant Server 0.00753; TOPMed 0.00798; 1000 Genomes Project 0.00839; 1000 Genomes Project 30x 0.00874.
gnomAD v4.1: 2,407 of 1,606,806 alleles (0.15%); highest among the groups gnomAD compares: African/African-American, 2.7%; 31 homozygotes.

Submissions (5):

Labcorp Genetics (formerly Invitae), Labcorp
Classification: Benign. Last evaluated: 2026-01-31. Review status: criteria provided, single submitter. Criteria: Invitae Variant Classification Sherloc (09022015). Collection method: clinical testing. Allele origin: germline.

ARUP Laboratories, Molecular Genetics and Genomics, ARUP Laboratories
Classification: Benign for Microcephalic osteodysplastic primordial dwarfism type II. Last evaluated: 2025-02-25. Review status: criteria provided, single submitter. Criteria: ARUP Molecular Germline Variant Investigation Process 2024. Collection method: clinical testing. Allele origin: germline.

Illumina Laboratory Services, Illumina
Classification: Benign for Microcephalic osteodysplastic primordial dwarfism type II. Last evaluated: 2018-01-13. Review status: criteria provided, single submitter. Criteria: ICSL Variant Classification Criteria 13 December 2019. Collection method: clinical testing. Allele origin: germline.
Comment: This variant was observed in the ICSL laboratory as part of a predisposition screen in an ostensibly healthy population. It had not been previously curated by ICSL or reported in the Human Gene Mutation Database (HGMD: prior to June 1st, 2018), and was therefore a candidate for classification through an automated scoring system. Utilizing variant allele frequency, disease prevalence and penetrance estimates, and inheritance mode, an automated score was calculated to assess if this variant is too frequent to cause the disease. Based on the score and internal cut-off values, a variant classified as benign is not then subjected to further curation. The score for this variant resulted in a classification of benign for this disease.

Genetic Services Laboratory, University of Chicago
Classification: Benign. Last evaluated: 2015-09-30. Review status: criteria provided, single submitter. Criteria: ACMG Guidelines, 2015. Collection method: clinical testing. Allele origin: germline. Affected: no.

GeneDx
Classification: Benign. Last evaluated: 2015-03-18. Review status: criteria provided, single submitter. Criteria: GeneDx Variant Classification (06012015). Collection method: clinical testing. Allele origin: germline. Affected: yes.
Comment: This variant is considered likely benign or benign based on one or more of the following criteria: it is a conservative change, it occurs at a poorly conserved position in the protein, it is predicted to be benign by multiple in silico algorithms, and/or has population frequency not consistent with disease.